The following is an entry in ClinVar:

ClinVar aggregate classification (germline): Uncertain significance (1 of 4 stars; one submission).

Conditions:
Birt-Hogg-Dube syndrome. Also called: Birt Hogg Dubé syndrome. Identifiers: Orphanet 122, MedGen C0346010, MONDO:0800444.

Submission:

Labcorp Genetics (formerly Invitae), Labcorp
Classification: Uncertain significance for Birt-Hogg-Dube syndrome. Last evaluated: 2021-06-05. Review status: criteria provided, single submitter. Criteria: Invitae Variant Classification Sherloc (09022015). Collection method: clinical testing. Allele origin: germline.
Comment: This sequence change replaces leucine with proline at codon 25 of the FLCN protein (p.Leu25Pro). The leucine residue is moderately conserved and there is a moderate physicochemical difference between leucine and proline. This variant is not present in population databases (ExAC no frequency). This variant has not been reported in the literature in individuals with FLCN-related conditions. Algorithms developed to predict the effect of missense changes on protein structure and function are either unavailable or do not agree on the potential impact of this missense change (SIFT: "Deleterious"; PolyPhen-2: "Possibly Damaging"; Align-GVGD: "Class C0"). In summary, the available evidence is currently insufficient to determine the role of this variant in disease. Therefore, it has been classified as a Variant of Uncertain Significance.

NM_144997.7(FLCN):c.74T>C (p.Leu25Pro)

Gene: FLCN (folliculin; minus strand). Cytogenetic location: 17p11.2.
Variant type: single nucleotide variant.
Coding change: c.74T>C on transcript NM_144997.7 (MANE Select); coding-DNA position 74, T replaced by C.
Protein change: p.Leu25Pro; replaces leucine 25 with proline.
Molecular consequence: missense variant.
Genome position (GRCh38, 1-based): chr17:17,228,064, A>G on the plus strand (T>C on the coding strand, the complement: FLCN is on the minus strand). VCF-style: chr17-17228064-A-G. GRCh37 (hg19) VCF-style: chr17-17131378-A-G.
Other names: c.74T>C, p.Leu25Pro (NM_001353229.2, NM_001353230.2, NM_001353231.2 and 1 more transcripts); short protein forms L25P.
Identifiers: ClinVar variation 1038574 (VCV001038574.5), dbSNP rs2047312815, ClinGen allele CA398535382.